The following is an entry in ClinVar:

NM_000548.5(TSC2):c.2405G>C (p.Ser802Thr)

Gene: TSC2 (TSC complex subunit 2; plus strand). Cytogenetic location: 16p13.3.
Variant type: single nucleotide variant.
Coding change: c.2405G>C on transcript NM_000548.5 (MANE Select); coding-DNA position 2405, G replaced by C.
Protein change: p.Ser802Thr; replaces serine 802 with threonine.
Molecular consequence: missense variant.
Genome position (GRCh38, 1-based): chr16:2,074,249, G>C. VCF-style: chr16-2074249-G-C. GRCh37 (hg19) VCF-style: chr16-2124250-G-C.
Other names: c.2405G>C, p.Ser802Thr (NM_001077183.3, NM_001114382.3, NM_001363528.2 and 3 more transcripts); c.2294G>C, p.Ser765Thr (NM_001318827.2); c.2258G>C, p.Ser753Thr (NM_001318829.2); c.1805G>C, p.Ser602Thr (NM_001318831.2); c.2438G>C, p.Ser813Thr (NM_001318832.2); c.2405G>C (NM_000548.3); short protein forms S602T, S753T, S765T, S802T, S813T.
Identifiers: ClinVar variation 995666 (VCV000995666.22), dbSNP rs1015629239, ClinGen allele CA394277138.

ClinVar aggregate classification (germline): Uncertain significance. Review status: criteria provided, multiple submitters, no conflicts (2 of 4 stars). 6 submissions from 6 submitters: Uncertain significance (6). Last evaluated 2025-04-14.

Conditions:
Hereditary cancer-predisposing syndrome. Also called: Hereditary Cancer Syndrome; Hereditary neoplastic syndrome; Tumor predisposition; Neoplastic Syndromes, Hereditary. Identifiers: Orphanet 140162, MedGen C0027672, MeSH D009386, MONDO:0015356.
Tuberous sclerosis 2 (TSC2). Identifiers: Orphanet 805, MedGen C1860707, MONDO:0013199, OMIM 613254.

Submissions (6):

3billion
Classification: Uncertain significance for Tuberous sclerosis 2. Last evaluated: 2025-04-14. Review status: criteria provided, single submitter. Criteria: ACMG Guidelines, 2015. Collection method: clinical testing. Allele origin: germline. Affected: yes.

Ambry Genetics
Classification: Uncertain significance for Hereditary cancer-predisposing syndrome. Last evaluated: 2024-09-02. Review status: criteria provided, single submitter. Criteria: Ambry Variant Classification Scheme 2023. Collection method: clinical testing. Allele origin: germline.
Comment: The p.S802T variant (also known as c.2405G>C), located in coding exon 21 of the TSC2 gene, results from a G to C substitution at nucleotide position 2405. The serine at codon 802 is replaced by threonine, an amino acid with similar properties. This amino acid position is conserved. In addition, the in silico prediction for this alteration is inconclusive. Based on the available evidence, the clinical significance of this variant remains unclear.

Labcorp Genetics (formerly Invitae), Labcorp
Classification: Uncertain significance for Tuberous sclerosis 2. Last evaluated: 2024-03-06. Review status: criteria provided, single submitter. Criteria: Invitae Variant Classification Sherloc (09022015). Collection method: clinical testing. Allele origin: germline.
Comment: This sequence change replaces serine, which is neutral and polar, with threonine, which is neutral and polar, at codon 802 of the TSC2 protein (p.Ser802Thr). This variant is not present in population databases (gnomAD no frequency). This variant has not been reported in the literature in individuals affected with TSC2-related conditions. ClinVar contains an entry for this variant (Variation ID: 995666). Advanced modeling of protein sequence and biophysical properties (such as structural, functional, and spatial information, amino acid conservation, physicochemical variation, residue mobility, and thermodynamic stability) performed at Invitae indicates that this missense variant is not expected to disrupt TSC2 protein function with a negative predictive value of 95%. In summary, the available evidence is currently insufficient to determine the role of this variant in disease. Therefore, it has been classified as a Variant of Uncertain Significance.

Blueprint Genetics
Classification: Uncertain significance. Last evaluated: 2023-07-03. Review status: criteria provided, single submitter. Criteria: ACMG Guidelines, 2015. Collection method: clinical testing. Allele origin: germline.

Genome-Nilou Lab
Classification: Uncertain significance for Tuberous sclerosis 2. Last evaluated: 2021-11-07. Review status: criteria provided, single submitter. Criteria: ACMG Guidelines, 2015. Collection method: clinical testing. Allele origin: germline. Affected: no.

ARUP Laboratories, Molecular Genetics and Genomics, ARUP Laboratories
Classification: Uncertain significance. Last evaluated: 2020-01-31. Review status: criteria provided, single submitter. Criteria: ARUP Molecular Germline Variant Investigation Process. Collection method: clinical testing. Allele origin: germline.
Comment: The TSC2 c.2405G>C; p.Ser802Thr variant, to our knowledge, is not reported in the medical literature or gene specific databases. This variant is also absent from general population databases (Exome Variant Server, Genome Aggregation Database), indicating it is not a common polymorphism. The serine at codon 802 is moderately conserved, but computational analyses (SIFT, PolyPhen-2) predict that this variant is tolerated. However, given the lack of clinical and functional data, the significance of this variant is uncertain at this time.